The following is an entry in ClinVar:

NM_000702.4(ATP1A2):c.592C>A (p.Pro198Thr)

Genes: ATP1A2 (ATPase Na+/K+ transporting subunit alpha 2; plus strand), LOC126805890 (CDK7 strongly-dependent group 2 enhancer GRCh37_chr1:160093987-160095186; plus strand). Cytogenetic location: 1q23.2.
Variant type: single nucleotide variant.
Coding change: c.592C>A on transcript NM_000702.4 (MANE Select); coding-DNA position 592, C replaced by A.
Protein change: p.Pro198Thr; replaces proline 198 with threonine.
Molecular consequence: missense variant.
Genome position (GRCh38, 1-based): chr1:160,124,392, C>A. VCF-style: chr1-160124392-C-A. GRCh37 (hg19) VCF-style: chr1-160094182-C-A.
Other names: short protein forms P198T.
Identifiers: ClinVar variation 2700844 (VCV002700844.4), dbSNP rs2524857437, ClinGen allele CA343233944.

ClinVar aggregate classification (germline): Uncertain significance. Review status: criteria provided, multiple submitters, no conflicts (2 of 4 stars). 2 submissions from 2 submitters: Uncertain significance (2). Last evaluated 2024-03-03.

Conditions:
Familial hemiplegic migraine. Identifiers: MedGen C0338484, MONDO:0000700.

Submissions (2):

GeneDx
Classification: Uncertain significance. Last evaluated: 2024-03-03. Review status: criteria provided, single submitter. Criteria: GeneDx Variant Classification Process June 2021. Collection method: clinical testing. Allele origin: germline. Affected: yes.
Comment: Not observed at significant frequency in large population cohorts (gnomAD); In silico analysis supports that this missense variant has a deleterious effect on protein structure/function; Has not been previously published as pathogenic or benign to our knowledge

Labcorp Genetics (formerly Invitae), Labcorp
Classification: Uncertain significance for Familial hemiplegic migraine. Last evaluated: 2023-12-04. Review status: criteria provided, single submitter. Criteria: Invitae Variant Classification Sherloc (09022015). Collection method: clinical testing. Allele origin: germline.
Comment: This sequence change replaces proline, which is neutral and non-polar, with threonine, which is neutral and polar, at codon 198 of the ATP1A2 protein (p.Pro198Thr). This variant is not present in population databases (gnomAD no frequency). This variant has not been reported in the literature in individuals affected with ATP1A2-related conditions. Advanced modeling of protein sequence and biophysical properties (such as structural, functional, and spatial information, amino acid conservation, physicochemical variation, residue mobility, and thermodynamic stability) has been performed at Invitae for this missense variant, however the output from this modeling did not meet the statistical confidence thresholds required to predict the impact of this variant on ATP1A2 protein function. In summary, the available evidence is currently insufficient to determine the role of this variant in disease. Therefore, it has been classified as a Variant of Uncertain Significance.